The following is an entry in ClinVar:

ClinVar aggregate classification (germline): Uncertain significance (1 of 4 stars; one submission).

Submission:

Labcorp Genetics (formerly Invitae), Labcorp
Classification: Uncertain significance. Last evaluated: 2024-06-03. Review status: criteria provided, single submitter. Criteria: Invitae Variant Classification Sherloc (09022015). Collection method: clinical testing. Allele origin: germline.
Comment: This sequence change replaces isoleucine, which is neutral and non-polar, with phenylalanine, which is neutral and non-polar, at codon 429 of the HARS2 protein (p.Ile429Phe). This variant is not present in population databases (gnomAD no frequency). This variant has not been reported in the literature in individuals affected with HARS2-related conditions. ClinVar contains an entry for this variant (Variation ID: 2022562). Advanced modeling of protein sequence and biophysical properties (such as structural, functional, and spatial information, amino acid conservation, physicochemical variation, residue mobility, and thermodynamic stability) performed at Invitae indicates that this missense variant is not expected to disrupt HARS2 protein function with a negative predictive value of 80%. In summary, the available evidence is currently insufficient to determine the role of this variant in disease. Therefore, it has been classified as a Variant of Uncertain Significance.

NM_012208.4(HARS2):c.1285A>T (p.Ile429Phe)

Gene: HARS2 (histidyl-tRNA synthetase 2, mitochondrial; plus strand). Cytogenetic location: 5q31.3.
Variant type: single nucleotide variant.
Coding change: c.1285A>T on transcript NM_012208.4 (MANE Select); coding-DNA position 1285, A replaced by T.
Protein change: p.Ile429Phe; replaces isoleucine 429 with phenylalanine.
Molecular consequence: missense variant.
Genome position (GRCh38, 1-based): chr5:140,697,656, A>T. VCF-style: chr5-140697656-A-T. GRCh37 (hg19) VCF-style: chr5-140077241-A-T.
Other names: c.1210A>T, p.Ile404Phe (NM_001278731.2); c.853A>T, p.Ile285Phe (NM_001278732.2); c.1303A>T, p.Ile435Phe (NM_001363535.2); c.1075A>T, p.Ile359Phe (NM_001363536.2); short protein forms I359F, I404F, I435F, I429F, I285F.
Identifiers: ClinVar variation 2022562 (VCV002022562.4), dbSNP rs2481385790, ClinGen allele CA361202888.
Genomic context (GRCh38, chr5:140,697,656, plus strand): 5'-GAGACTCAAGTGTTTGTGGCCACACCACAGAAGAACTTTCTCCAAGAACGGTTGAAGCTT[A>T]TTGCAGAGCTTTGGGATTCTGGAATCAAGGTATGGTGGAGCTGATATCTGAGCCATCTGG-3'
Protein context (NP_036340.1, residues 419-439): KNFLQERLKL[Ile429Phe]AELWDSGIKA